The following is an entry in ClinVar:

ClinVar aggregate classification (germline): Likely benign. Review status: reviewed by expert panel (3 of 4 stars). 2 submissions from 2 submitters: Likely benign (1). 1 of the submissions does not count toward it. Last evaluated 2022-06-06.

Conditions:
Deficiency of guanidinoacetate methyltransferase (CCDS2). Also called: GAMT DEFICIENCY; CEREBRAL CREATINE DEFICIENCY SYNDROME 2; Guanidinoacetate Methyltransferase (GAMT) Deficiency. Identifiers: Orphanet 382, MedGen C0574080, MONDO:0012999, OMIM 612736.
Cerebral creatine deficiency syndrome. Also called: Creatine deficiency syndromes. Identifiers: Orphanet 79172, MedGen C5244016, MONDO:0000456.

Allele frequency attached by ClinVar (database versions not stated): gnomAD exomes 0.00001; ExAC 0.00001; TOPMed 0.00001.

Submissions (2):

ClinGen Cerebral Creatine Deficiency Syndromes Variant Curation Expert Panel, ClinGen
Classification: Likely benign for Deficiency of guanidinoacetate methyltransferase. Last evaluated: 2022-06-06. Review status: reviewed by expert panel. Criteria: ClinGen_CCDS_ACMG_Specifications_GAMT_v1.1. Collection method: curation. Allele origin: germline. Inheritance: Autosomal recessive inheritance.
Comment: The NM_000156.6:c.408G>A (p.Thr136=) variant in GAMT is a synonymous variant in exon 4. It is predicted to not impact splicing by SpliceAI and VarSeak, and the nucleotide is not highly conserved (BP4, BP7). The highest population minor allele frequency in gnomAD v2.1.1 is 0.00005 (1/ 18390 alleles) in the East Asian population, which is lower than the ClinGen CCDS VCEP’s threshold for PM2_Supporting (<0.0004), meeting this criterion (PM2_Supporting). This variant does not appear to have been previously reported in the published literature. It is noted in ClinVar (Variation ID: 699986). Although this variant is rare (meeting PM2_Supporting), it has been classified as likely benign by the ClinGen Creatine Deficiency Syndromes (CCDS) Variant Curation Expert Panel (VCEP) based on the recommendation of Richards et al (PMID: 25741868) because it is a synonymous variant, the altered nucleotide is not highly conserved, computational predicttion suggests no impact on splicing, and there is no additional evidence to suggest that the variant is disease-causing. GAMT-specific ACMG/AMP criteria applied, as specified by the CCDS VCEP (Specifications Version 1.1.0): PM2_Supporting, BP4, BP7. (Classification approved by the ClinGen CCDS VCEP on June 6, 2022).

Labcorp Genetics (formerly Invitae), Labcorp
Classification: Likely benign for Cerebral creatine deficiency syndrome. Last evaluated: 2024-10-29. Review status: criteria provided, single submitter. Criteria: Invitae Variant Classification Sherloc (09022015). Collection method: clinical testing. Allele origin: germline. Not counted in ClinVar's aggregate classification.

NM_000156.6(GAMT):c.408G>A (p.Thr136=)

Gene: GAMT (guanidinoacetate N-methyltransferase; minus strand). Cytogenetic location: 19p13.3.
Variant type: single nucleotide variant.
Coding change: c.408G>A on transcript NM_000156.6 (MANE Select); coding-DNA position 408, G replaced by A.
Protein change: p.Thr136=; no amino-acid change (threonine 136 retained).
Molecular consequence: synonymous variant.
Genome position (GRCh38, 1-based): chr19:1,399,179, C>T on the plus strand (G>A on the coding strand, the complement: GAMT is on the minus strand). VCF-style: chr19-1399179-C-T. GRCh37 (hg19) VCF-style: chr19-1399178-C-T.
Other names: NM_000156.6(GAMT):c.408G>A; p.Thr136=; c.408G>A, p.Thr136= (NM_138924.3).
Identifiers: ClinVar variation 699986 (VCV000699986.10), dbSNP rs772974568, ClinGen allele CA9043668.